The following is an entry in ClinVar:

ClinVar aggregate classification (germline): Uncertain significance (1 of 4 stars; one submission).

Allele frequency attached by ClinVar (database versions not stated): gnomAD 0.00002; TOPMed 0.00002.
gnomAD v4.1: 3 of 1,613,940 alleles (0.00019%); highest among the groups gnomAD compares: Admixed American, 0.0033%; no homozygotes.

Submission:

Labcorp Genetics (formerly Invitae), Labcorp
Classification: Uncertain significance. Last evaluated: 2022-08-24. Review status: criteria provided, single submitter. Criteria: Invitae Variant Classification Sherloc (09022015). Collection method: clinical testing. Allele origin: germline.
Comment: In summary, the available evidence is currently insufficient to determine the role of this variant in disease. Therefore, it has been classified as a Variant of Uncertain Significance. Algorithms developed to predict the effect of missense changes on protein structure and function (SIFT, PolyPhen-2, Align-GVGD) all suggest that this variant is likely to be tolerated. This sequence change replaces alanine, which is neutral and non-polar, with proline, which is neutral and non-polar, at codon 1056 of the ADGRA3 protein (p.Ala1056Pro). This variant is not present in population databases (gnomAD no frequency). This variant has not been reported in the literature in individuals affected with ADGRA3-related conditions.

NM_145290.4(ADGRA3):c.3166G>C (p.Ala1056Pro)

Gene: ADGRA3 (adhesion G protein-coupled receptor A3; minus strand). Cytogenetic location: 4p15.2.
Variant type: single nucleotide variant.
Coding change: c.3166G>C on transcript NM_145290.4 (MANE Select); coding-DNA position 3166, G replaced by C.
Protein change: p.Ala1056Pro; replaces alanine 1056 with proline.
Molecular consequence: missense variant.
Genome position (GRCh38, 1-based): chr4:22,388,505, C>G on the plus strand (G>C on the coding strand, the complement: ADGRA3 is on the minus strand). VCF-style: chr4-22388505-C-G. GRCh37 (hg19) VCF-style: chr4-22390128-C-G.
Other names: short protein forms A1056P.
Identifiers: ClinVar variation 1947848 (VCV001947848.5), dbSNP rs909558515, ClinGen allele CA93480704.